The following is an entry in ClinVar:

ClinVar aggregate classification (germline): Uncertain significance (1 of 4 stars; one submission).

Conditions:
Galactosylceramide beta-galactosidase deficiency. Also called: GALACTOCEREBROSIDASE DEFICIENCY; GALC DEFICIENCY; GLOBOID CELL LEUKOENCEPHALOPATHY; Leukodystrophy, Globoid Cell; Krabbe Disease. Identifiers: Orphanet 487, MedGen C0023521, MONDO:0009499, OMIM 245200.

Allele frequency attached by ClinVar (database versions not stated): TOPMed below 0.00001.

Submission:

Labcorp Genetics (formerly Invitae), Labcorp
Classification: Uncertain significance for Galactosylceramide beta-galactosidase deficiency. Last evaluated: 2024-10-16. Review status: criteria provided, single submitter. Criteria: Invitae Variant Classification Sherloc (09022015). Collection method: clinical testing. Allele origin: germline.
Comment: This sequence change replaces methionine, which is neutral and non-polar, with threonine, which is neutral and polar, at codon 212 of the GALC protein (p.Met212Thr). This variant is not present in population databases (gnomAD no frequency). This variant has not been reported in the literature in individuals affected with GALC-related conditions. ClinVar contains an entry for this variant (Variation ID: 1990612). Invitae Evidence Modeling of protein sequence and biophysical properties (such as structural, functional, and spatial information, amino acid conservation, physicochemical variation, residue mobility, and thermodynamic stability) indicates that this missense variant is not expected to disrupt GALC protein function with a negative predictive value of 95%. In summary, the available evidence is currently insufficient to determine the role of this variant in disease. Therefore, it has been classified as a Variant of Uncertain Significance.

NM_000153.4(GALC):c.635T>C (p.Met212Thr)

Gene: GALC (galactosylceramidase; minus strand). Cytogenetic location: 14q31.3.
Variant type: single nucleotide variant.
Coding change: c.635T>C on transcript NM_000153.4 (MANE Select); coding-DNA position 635, T replaced by C.
Protein change: p.Met212Thr; replaces methionine 212 with threonine.
Molecular consequence: missense variant.
Genome position (GRCh38, 1-based): chr14:87,976,475, A>G on the plus strand (T>C on the coding strand, the complement: GALC is on the minus strand). VCF-style: chr14-87976475-A-G. GRCh37 (hg19) VCF-style: chr14-88442819-A-G.
Other names: c.566T>C, p.Met189Thr (NM_001201401.2); c.557T>C, p.Met186Thr (NM_001201402.2); short protein forms M212T, M186T, M189T.
Identifiers: ClinVar variation 1990612 (VCV001990612.3), dbSNP rs1886498828, ClinGen allele CA390749761.